The following is an entry in ClinVar:

NM_000297.4(PKD2):c.1564A>G (p.Ile522Val)

Gene: PKD2 (polycystin 2, transient receptor potential cation channel; plus strand). Cytogenetic location: 4q22.1.
Variant type: single nucleotide variant.
Coding change: c.1564A>G on transcript NM_000297.4 (MANE Select); coding-DNA position 1564, A replaced by G.
Protein change: p.Ile522Val; replaces isoleucine 522 with valine.
Molecular consequence: missense variant. On other transcripts: non-coding transcript variant (1).
Genome position (GRCh38, 1-based): chr4:88,052,006, A>G. VCF-style: chr4-88052006-A-G. GRCh37 (hg19) VCF-style: chr4-88973158-A-G.
Other names: short protein forms I522V.
Identifiers: ClinVar variation 2918167 (VCV002918167.3), dbSNP rs374402854, ClinGen allele CA3003992.

ClinVar aggregate classification (germline): Uncertain significance (1 of 4 stars; one submission).

Conditions:
Autosomal dominant polycystic kidney disease. Identifiers: Orphanet 730, MedGen C0085413, MONDO:0004691.

gnomAD v4.1: 4 of 1,585,386 alleles (0.00025%); highest among the groups gnomAD compares: African/African-American, 0.0013%; no homozygotes.

Submission:

Labcorp Genetics (formerly Invitae), Labcorp
Classification: Uncertain significance for Autosomal dominant polycystic kidney disease. Last evaluated: 2024-05-13. Review status: criteria provided, single submitter. Criteria: Invitae Variant Classification Sherloc (09022015). Collection method: clinical testing. Allele origin: germline.
Comment: This sequence change replaces isoleucine, which is neutral and non-polar, with valine, which is neutral and non-polar, at codon 522 of the PKD2 protein (p.Ile522Val). This variant is present in population databases (rs374402854, gnomAD 0.006%). This variant has not been reported in the literature in individuals affected with PKD2-related conditions. Advanced modeling of protein sequence and biophysical properties (such as structural, functional, and spatial information, amino acid conservation, physicochemical variation, residue mobility, and thermodynamic stability) performed at Invitae indicates that this missense variant is not expected to disrupt PKD2 protein function with a negative predictive value of 80%. In summary, the available evidence is currently insufficient to determine the role of this variant in disease. Therefore, it has been classified as a Variant of Uncertain Significance.